The following is an entry in ClinVar:

NM_001182.5(ALDH7A1):c.676A>G (p.Ile226Val)

Gene: ALDH7A1 (aldehyde dehydrogenase 7 family member A1; minus strand). Cytogenetic location: 5q23.2.
Variant type: single nucleotide variant.
Coding change: c.676A>G on transcript NM_001182.5 (MANE Select); coding-DNA position 676, A replaced by G.
Protein change: p.Ile226Val; replaces isoleucine 226 with valine.
Molecular consequence: missense variant.
Genome position (GRCh38, 1-based): chr5:126,575,439, T>C on the plus strand (A>G on the coding strand, the complement: ALDH7A1 is on the minus strand). VCF-style: chr5-126575439-T-C. GRCh37 (hg19) VCF-style: chr5-125911131-T-C.
Other names: c.592A>G, p.Ile198Val (NM_001201377.2); c.676A>G, p.Ile226Val (NM_001202404.2); c.676A>G (NM_001182.4); short protein forms I198V, I226V.
Identifiers: ClinVar variation 2157942 (VCV002157942.3), dbSNP rs1439144128, ClinGen allele CA360730396.

ClinVar aggregate classification (germline): Uncertain significance. Review status: criteria provided, multiple submitters, no conflicts (2 of 4 stars). 2 submissions from 2 submitters: Uncertain significance (2). Last evaluated 2025-05-01.

Conditions:
Pyridoxine-dependent epilepsy (EPEO4). Also called: Pyridoxine-Dependent Seizures; Pyridoxine-Dependent Epilepsy - ALDH7A1; PYRIDOXINE DEPENDENCY WITH SEIZURES; EPILEPSY, EARLY-ONSET, 4, VITAMIN B6-DEPENDENT. Identifiers: Orphanet 3006, MedGen C1849508, MONDO:0009945, OMIM 266100. Disease mechanism: loss of function.
Inborn genetic diseases. Identifiers: MedGen C0950123, MeSH D030342.

Allele frequency attached by ClinVar (database versions not stated): gnomAD 0.00001.
gnomAD v4.1: 8 of 1,613,212 alleles (0.0005%); highest among the groups gnomAD compares: East Asian, 0.0045%; no homozygotes.

Submissions (2):

Labcorp Genetics (formerly Invitae), Labcorp
Classification: Uncertain significance for Pyridoxine-dependent epilepsy. Last evaluated: 2025-05-01. Review status: criteria provided, single submitter. Criteria: Invitae Variant Classification Sherloc (09022015). Collection method: clinical testing. Allele origin: germline.
Comment: This sequence change replaces isoleucine, which is neutral and non-polar, with valine, which is neutral and non-polar, at codon 226 of the ALDH7A1 protein (p.Ile226Val). This variant is present in population databases (no rsID available, gnomAD 0.007%). This variant has not been reported in the literature in individuals affected with ALDH7A1-related conditions. ClinVar contains an entry for this variant (Variation ID: 2157942). An algorithm developed to predict the effect of missense changes on protein structure and function outputs the following: PolyPhen-2: "Benign". The valine amino acid residue is found in multiple mammalian species, which suggests that this missense change does not adversely affect protein function. In summary, the available evidence is currently insufficient to determine the role of this variant in disease. Therefore, it has been classified as a Variant of Uncertain Significance.

Ambry Genetics
Classification: Uncertain significance for Inborn genetic diseases. Last evaluated: 2023-12-27. Review status: criteria provided, single submitter. Criteria: Ambry Variant Classification Scheme 2023. Collection method: clinical testing. Allele origin: germline.